The following is an entry in ClinVar:

NM_015570.4(AUTS2):c.1060C>T (p.Pro354Ser)

Gene: AUTS2 (activator of transcription and developmental regulator AUTS2; plus strand). Cytogenetic location: 7q11.22.
Variant type: single nucleotide variant.
Coding change: c.1060C>T on transcript NM_015570.4 (MANE Select); coding-DNA position 1060, C replaced by T.
Protein change: p.Pro354Ser; replaces proline 354 with serine.
Molecular consequence: missense variant.
Genome position (GRCh38, 1-based): chr7:70,763,187, C>T. VCF-style: chr7-70763187-C-T. GRCh37 (hg19) VCF-style: chr7-70228173-C-T.
Other names: c.1060C>T, p.Pro354Ser (NM_001127231.3); short protein forms P354S.
Identifiers: ClinVar variation 3023867 (VCV003023867.3), dbSNP rs1789681654, ClinGen allele CA367667757.
Genomic context (GRCh38, chr7:70,763,187, plus strand): 5'-CCCCCACCTCTGAGTACACAGCCACCACAGGGCCCTCCTGAGGCCCAGCTCCAGCCTGCC[C>T]CGCAGCCTCAGGTGCAGAGGCCACCCAGGCCACAGTCCCCCACCCAGCTGCTCCATCAGA-3'
Protein context (NP_056385.1, residues 344-364): GPPEAQLQPA[Pro354Ser]QPQVQRPPRP

ClinVar aggregate classification (germline): Uncertain significance (1 of 4 stars; one submission).

Allele frequency attached by ClinVar (database versions not stated): gnomAD exomes below 0.00001; TOPMed below 0.00001.
gnomAD v4.1: 1 of 1,614,016 alleles (0.000062%); highest among the groups gnomAD compares: Admixed American, 0.0017%; no homozygotes.

Submission:

Labcorp Genetics (formerly Invitae), Labcorp
Classification: Uncertain significance. Last evaluated: 2024-08-28. Review status: criteria provided, single submitter. Criteria: Invitae Variant Classification Sherloc (09022015). Collection method: clinical testing. Allele origin: germline.
Comment: This sequence change replaces proline, which is neutral and non-polar, with serine, which is neutral and polar, at codon 354 of the AUTS2 protein (p.Pro354Ser). This variant is not present in population databases (gnomAD no frequency). This variant has not been reported in the literature in individuals affected with AUTS2-related conditions. An algorithm developed to predict the effect of missense changes on protein structure and function (PolyPhen-2) suggests that this variant is likely to be disruptive. In summary, the available evidence is currently insufficient to determine the role of this variant in disease. Therefore, it has been classified as a Variant of Uncertain Significance.